The following is an entry in ClinVar:

ClinVar aggregate classification (germline): Conflicting classifications of pathogenicity. Review status: criteria provided, conflicting classifications (1 of 4 stars). 4 submissions from 3 submitters: Uncertain significance (2); Likely benign (2). Last evaluated 2024-03-28.

Conditions:
Transitory neonatal diabetes mellitus. Also called: Transient neonatal diabetes mellitus. Identifiers: MedGen C0342273, MONDO:0020525, HP:0008255.
Maturity-onset diabetes of the young (MODY). Also called: Maturity onset diabetes mellitus in young. Identifiers: Orphanet 552, MedGen C0342276, MONDO:0018911, HP:0004904.

gnomAD v4.1: 12 of 1,613,994 alleles (0.00074%); highest among the groups gnomAD compares: Non-Finnish European, 0.00085%; no homozygotes.

Submissions (4):

Blueprint Genetics
Classification: Likely benign. Last evaluated: 2024-03-28. Review status: criteria provided, single submitter. Criteria: ACMG Guidelines, 2015. Collection method: clinical testing. Allele origin: germline.

Labcorp Genetics (formerly Invitae), Labcorp
Classification: Likely benign. Last evaluated: 2023-12-02. Review status: criteria provided, single submitter. Criteria: Invitae Variant Classification Sherloc (09022015). Collection method: clinical testing. Allele origin: germline.

Clinical Genomics, Uppaluri K&H Personalized Medicine Clinic
Classification: Uncertain significance for Maturity-onset diabetes of the young. Review status: criteria provided, single submitter. Criteria: K & H Uppaluri Personalized Medicine Clinic Variant Classification & Assertion Criteria_Updated V.1. Collection method: research. Allele origin: somatic. Inheritance: Somatic mutation.
Comment: Mutations in ABCC8 gene are associated with both neonatal diabetes mellitus as well as MODY. Patients with this mutation may have a better response to sulfonylureas. However, no sufficient evidence is found to ascertain the role of this particular variant ( rs778961697) in MODY yet.

Clinical Genomics, Uppaluri K&H Personalized Medicine Clinic
Classification: Uncertain significance for Transitory neonatal diabetes mellitus. Review status: criteria provided, single submitter. Criteria: K & H Uppaluri Personalized Medicine Clinic Variant Classification & Assertion Criteria_Updated V.1. Collection method: research. Allele origin: somatic. Inheritance: Somatic mutation.
Comment: Mutations in ABCC8 gene are associated with both neonatal diabetes mellitus as well as MODY. Patients with this mutation may have a better response to sulfonylureas. However, no sufficient evidence is found to ascertain the role of this particular variant ( rs778961697) in neonatal diabetes yet.

Literature cited by the submitters: PubMed 16885549 (cited by Clinical Genomics, Uppaluri K&H Personalized Medicine Clinic); PubMed 21989597 (cited by Clinical Genomics, Uppaluri K&H Personalized Medicine Clinic); PubMed 27538677 (cited by Clinical Genomics, Uppaluri K&H Personalized Medicine Clinic); PubMed 18981553 (cited by Clinical Genomics, Uppaluri K&H Personalized Medicine Clinic); PubMed 32027066 (cited by Clinical Genomics, Uppaluri K&H Personalized Medicine Clinic); PubMed 16613899 (cited by Clinical Genomics, Uppaluri K&H Personalized Medicine Clinic); PubMed 18025408 (cited by Clinical Genomics, Uppaluri K&H Personalized Medicine Clinic); PubMed 32792356 (cited by Clinical Genomics, Uppaluri K&H Personalized Medicine Clinic).

NM_000352.6(ABCC8):c.3513C>A (p.Ala1171=)

Gene: ABCC8 (ATP binding cassette subfamily C member 8; minus strand). Cytogenetic location: 11p15.1.
Variant type: single nucleotide variant.
Coding change: c.3513C>A on transcript NM_000352.6 (MANE Select); coding-DNA position 3513, C replaced by A.
Protein change: p.Ala1171=; no amino-acid change (alanine 1171 retained).
Molecular consequence: synonymous variant. On other transcripts: non-coding transcript variant (1).
Genome position (GRCh38, 1-based): chr11:17,404,556, G>T on the plus strand (C>A on the coding strand, the complement: ABCC8 is on the minus strand). VCF-style: chr11-17404556-G-T. GRCh37 (hg19) VCF-style: chr11-17426103-G-T.
Other names: c.3516C>A, p.Ala1172= (NM_001287174.3); c.3579C>A, p.Ala1193= (NM_001351295.2); c.3513C>A, p.Ala1171= (NM_001351296.2); c.3510C>A, p.Ala1170= (NM_001351297.2).
Identifiers: ClinVar variation 799478 (VCV000799478.12), dbSNP rs778961697, ClinGen allele CA5902791.